The following is an entry in ClinVar:

ClinVar aggregate classification (germline): Pathogenic/Likely pathogenic. Review status: criteria provided, multiple submitters, no conflicts (2 of 4 stars). 2 submissions from 2 submitters: Pathogenic (1); Likely pathogenic (1). Last evaluated 2019-06-28.

Conditions:
Baller-Gerold syndrome (BGS). Also called: CRANIOSYNOSTOSIS WITH RADIAL DEFECTS. Identifiers: Orphanet 1225, MedGen C0265308, MONDO:0009039, OMIM 218600.

Submissions (2):

GeneID Lab - Advanced Molecular Diagnostics
Classification: Likely pathogenic for Baller-Gerold syndrome. Last evaluated: 2019-06-28. Review status: criteria provided, single submitter. Criteria: ACMG Guidelines, 2015. Collection method: clinical testing. Allele origin: germline. Affected: no. Observed: 1 variant allele.
Comment: This variant results in an amino acid alteration replacing a proline (P) with a leucine (L) at position 965 creating a premature stop signal in the new reading frame noted as p.Pro965Leufs*79. The substitution is predicted to result in a non-functional RECQL4 protein, either through protein truncation or nonsense-mediated mRNA decay. This variant has not been reported in the ClinVar Database (NCBI National Library of Medicine, NIH, Bethesda MD) or in the gnomAD exomes databes. Based on these findings and the limited literature regarding this substitution we consider it as a “likely pathogenic variant”.

Labcorp Genetics (formerly Invitae), Labcorp
Classification: Pathogenic for Baller-Gerold syndrome. Last evaluated: 2018-12-09. Review status: criteria provided, single submitter. Criteria: Invitae Variant Classification Sherloc (09022015). Collection method: clinical testing. Allele origin: germline.
Comment: This variant is not present in population databases (ExAC no frequency). For these reasons, this variant has been classified as Pathogenic. Loss-of-function variants in RECQL4 are known to be pathogenic (PMID: 12734318, 12952869). This variant has not been reported in the literature in individuals with RECQL4-related conditions. This sequence change creates a premature translational stop signal (p.Pro965Leufs*79) in the RECQL4 gene. It is expected to result in an absent or disrupted protein product.

Literature cited by the submitters: PubMed 12734318 (cited by Labcorp Genetics (formerly Invitae), Labcorp); PubMed 12952869 (cited by Labcorp Genetics (formerly Invitae), Labcorp).

NM_004260.4(RECQL4):c.2889del (p.Pro965fs)

Gene: RECQL4 (RecQ like helicase 4; minus strand). Cytogenetic location: 8q24.3.
Variant type: Deletion.
Coding change: c.2889del on transcript NM_004260.4 (MANE Select); coding-DNA position 2889, one base deleted (T; older notation c.2889delT).
Protein change: p.Pro965fs; shifts the reading frame from proline 965.
Molecular consequence: frameshift variant.
Genome position (GRCh38, 1-based): chr8:144,512,558, A deleted on the plus strand (T on the coding strand, the reverse complement: RECQL4 is on the minus strand). VCF-style (leftmost placement, unchanged base first): chr8-144512557-GA-G. GRCh37 (hg19) VCF-style: chr8-145737940-GA-G.
Other names: c.2889delT (NM_004260.3); short protein forms P965fs.
Identifiers: ClinVar variation 642493 (VCV000642493.7), dbSNP rs1586795973, ClinGen allele CA915947390.
Genomic context (GRCh38, chr8:144,512,557, plus strand): 5'-AGCTGCTGCCTTGCCCTGGGTCCTCAGGCAGCTGCTGGGCCAAGCACACAGCCAAAGGGG[GA>G]CACCTGTGCCCAGGGAAAAAGGGACATGTGGCCAACAGCCCTGATTCTCCAACCTCGTCT-3'